The following is an entry in ClinVar:

NM_024334.3(TMEM43):c.1150C>G (p.Leu384Val)

Gene: TMEM43 (transmembrane protein 43; plus strand). Cytogenetic location: 3p25.1.
Variant type: single nucleotide variant.
Coding change: c.1150C>G on transcript NM_024334.3 (MANE Select); coding-DNA position 1150, C replaced by G.
Protein change: p.Leu384Val; replaces leucine 384 with valine.
Molecular consequence: missense variant.
Genome position (GRCh38, 1-based): chr3:14,141,742, C>G. VCF-style: chr3-14141742-C-G. GRCh37 (hg19) VCF-style: chr3-14183242-C-G.
Other names: short protein forms L384V.
Identifiers: ClinVar variation 36870 (VCV000036870.19), dbSNP rs193922706, ClinGen allele CA024597.

ClinVar aggregate classification (germline): Conflicting classifications of pathogenicity. Review status: criteria provided, conflicting classifications (1 of 4 stars). 7 submissions from 7 submitters: Uncertain significance (5); Benign (1); Likely benign (1). Last evaluated 2025-09-04.

Conditions:
TMEM43-related disorder. Also called: TMEM43-related condition.
Cardiovascular phenotype. Identifiers: MedGen CN230736.
Cardiomyopathy (CMYO). Also called: Cardiomyopathies. Identifiers: Orphanet 167848, MedGen C0878544, MONDO:0004994, HP:0001638. Inheritance: Various modes of inheritance.
Arrhythmogenic right ventricular dysplasia 5. Also called: ARRHYTHMOGENIC RIGHT VENTRICULAR DYSPLASIA, FAMILIAL, 5; Arrhythmogenic Right Ventricular Dysplasia/Cardiomyopathy 5. Identifiers: MedGen C1858379, MONDO:0011459, OMIM 604400.

Allele frequency attached by ClinVar (database versions not stated): TOPMed 0.00003; 1000 Genomes Project 30x 0.00016; 1000 Genomes Project 0.00020.

Submissions (7):

Color Diagnostics, LLC DBA Color Health
Classification: Likely benign for Cardiomyopathy. Last evaluated: 2025-09-04. Review status: criteria provided, single submitter. Criteria: ACMG Guidelines, 2015. Collection method: clinical testing. Allele origin: germline.

Labcorp Genetics (formerly Invitae), Labcorp
Classification: Uncertain significance for Arrhythmogenic right ventricular dysplasia 5. Last evaluated: 2025-08-11. Review status: criteria provided, single submitter. Criteria: Invitae Variant Classification Sherloc (09022015). Collection method: clinical testing. Allele origin: germline.
Comment: This sequence change replaces leucine, which is neutral and non-polar, with valine, which is neutral and non-polar, at codon 384 of the TMEM43 protein (p.Leu384Val). This variant is present in population databases (rs193922706, gnomAD 0.02%). This missense change has been observed in individual(s) with clinical features of TMEM43-related conditions (PMID: 28750076, 31760239; internal data). ClinVar contains an entry for this variant (Variation ID: 36870). Invitae Evidence Modeling of protein sequence and biophysical properties (such as structural, functional, and spatial information, amino acid conservation, physicochemical variation, residue mobility, and thermodynamic stability) indicates that this missense variant is not expected to disrupt TMEM43 protein function with a negative predictive value of 80%. In summary, the available evidence is currently insufficient to determine the role of this variant in disease. Therefore, it has been classified as a Variant of Uncertain Significance.

PreventionGenetics, part of Exact Sciences
Classification: Uncertain significance for TMEM43-related condition. Last evaluated: 2025-07-08. Review status: criteria provided, single submitter. Criteria: ACMG Guidelines, 2015. Collection method: clinical testing. Allele origin: germline.
Comment: The TMEM43 c.1150C>G variant is predicted to result in the amino acid substitution p.Leu384Val. To our knowledge, this variant has not been reported in association with disease in the literature. This variant is reported in 0.020% of alleles in individuals of Latino descent in gnomAD. At this time, the clinical significance of this variant is uncertain due to the absence of conclusive functional and genetic evidence.

GeneDx
Classification: Uncertain significance. Last evaluated: 2025-06-30. Review status: criteria provided, single submitter. Criteria: GeneDx Variant Classification Process June 2021. Collection method: clinical testing. Allele origin: germline.
Comment: Identified in association with dilated cardiomyopathy and sudden death; however, these patients also harbored additional cardiogenetic variants (PMID: 28750076, 31760239); In silico analysis suggests that this missense variant does not alter protein structure/function; This variant is associated with the following publications: (PMID: 31760239, 31402444, 28750076)

All of Us Research Program, National Institutes of Health
Classification: Uncertain significance for Arrhythmogenic right ventricular dysplasia 5. Last evaluated: 2024-09-23. Review status: criteria provided, single submitter. Criteria: ACMG Guidelines, 2015. Collection method: clinical testing. Allele origin: germline. Inheritance: Autosomal dominant inheritance. Observed: 5 variant alleles, 5 heterozygotes.
Comment: This missense variant replaces leucine with valine at codon 384 of the TMEM43 protein. Computational prediction suggests that this variant may not impact protein structure and function (internally defined REVEL score threshold <= 0.5, PMID: 27666373). To our knowledge, functional studies have not been reported for this variant. This variant has been reported in an individual affected with dilated cardiomyopathy who also carried an additional variant in MYBPC3 (PMID: 28750076). It has also been reported in an individual affected with sudden cardiac death who also carried an additional variant in DSP that appeared to segregate with arrhythmogenic left ventricular cardiomyopathy in an affected child (PMID: 31760239). This variant has been identified in 15/282786 chromosomes in the general population by the Genome Aggregation Database (gnomAD). The available evidence is insufficient to determine the role of this variant in disease conclusively. Therefore, this variant is classified as a Variant of Uncertain Significance.

This study involves interpretation of variants in research participants for the purpose of population health screening. Participant phenotype was not available at the time of variant classification. Additional details can be found in publication PMID: 35346344, PMCID: PMC8962531

Ambry Genetics
Classification: Benign for Cardiovascular phenotype. Last evaluated: 2024-04-12. Review status: criteria provided, single submitter. Criteria: Ambry Variant Classification Scheme 2023. Collection method: clinical testing. Allele origin: germline.

Women's Health and Genetics/Laboratory Corporation of America, LabCorp
Classification: Uncertain significance. Last evaluated: 2019-01-16. Review status: criteria provided, single submitter. Criteria: LabCorp Variant Classification Summary - May 2015. Collection method: clinical testing. Allele origin: germline.
Comment: Variant summary: TMEM43 c.1150C>G (p.Leu384Val) results in a conservative amino acid change in the encoded protein sequence. Five of five in-silico tools predict a benign effect of the variant on protein function. The variant allele was found at a frequency of 5.4e-05 in 277150 control chromosomes (gnomAD). The observed variant frequency is approximately 6.49 fold of the estimated maximal expected allele frequency for a pathogenic variant in TMEM43 causing Arrhythmogenic Right Ventricular Dysplasia/Cardiomyopathy phenotype (8.3e-06), strongly suggesting that the variant is benign. c.1150C>G has been reported in the literature in an individual affected with dilated cardiomyopathy (Forleo_2017). This report does not provide unequivocal conclusions about association of the variant with Arrhythmogenic Right Ventricular Dysplasia/Cardiomyopathy. To our knowledge, no experimental evidence demonstrating an impact on protein function has been reported. A ClinVar submission from a clinical diagnostic laboratory (evaluation after 2014) cites the variant as uncertain significance. Based on the evidence outlined above, the variant was classified as VUS-possibly benign.

Literature cited by the submitters: PubMed 28750076 (cited by 3 submitters); PubMed 31760239 (cited by Labcorp Genetics (formerly Invitae), Labcorp and All of Us Research Program, National Institutes of Health).